The following is an entry in ClinVar:

NM_012418.4(FSCN2):c.421G>C (p.Ala141Pro)

Gene: FSCN2 (fascin actin-bundling protein 2, retinal; plus strand). Cytogenetic location: 17q25.3.
Variant type: single nucleotide variant.
Coding change: c.421G>C on transcript NM_012418.4 (MANE Select); coding-DNA position 421, G replaced by C.
Protein change: p.Ala141Pro; replaces alanine 141 with proline.
Molecular consequence: missense variant.
Genome position (GRCh38, 1-based): chr17:81,528,952, G>C. VCF-style: chr17-81528952-G-C. GRCh37 (hg19) VCF-style: chr17-79495978-G-C.
Other names: c.421G>C, p.Ala141Pro (NM_001077182.3); short protein forms A141P.
Identifiers: ClinVar variation 1041603 (VCV001041603.8), dbSNP rs1555670681, ClinGen allele CA401470975.

ClinVar aggregate classification (germline): Uncertain significance (1 of 4 stars; one submission).

Allele frequency attached by ClinVar (database versions not stated): gnomAD exomes below 0.00001.

Submission:

Labcorp Genetics (formerly Invitae), Labcorp
Classification: Uncertain significance. Last evaluated: 2020-10-19. Review status: criteria provided, single submitter. Criteria: Invitae Variant Classification Sherloc (09022015). Collection method: clinical testing. Allele origin: germline.
Comment: In summary, the available evidence is currently insufficient to determine the role of this variant in disease. Therefore, it has been classified as a Variant of Uncertain Significance. Algorithms developed to predict the effect of missense changes on protein structure and function are either unavailable or do not agree on the potential impact of this missense change (SIFT: "Deleterious"; PolyPhen-2: "Probably Damaging"; Align-GVGD: "Class C0"). This variant has not been reported in the literature in individuals with FSCN2-related conditions. This variant is not present in population databases (ExAC no frequency). This sequence change replaces alanine with proline at codon 141 of the FSCN2 protein (p.Ala141Pro). The alanine residue is highly conserved and there is a small physicochemical difference between alanine and proline.